The following is an entry in ClinVar:

ClinVar aggregate classification (germline): Likely pathogenic (1 of 4 stars; one submission).

Conditions:
Autosomal recessive limb-girdle muscular dystrophy. Identifiers: Orphanet 102015, MedGen C2931907, MONDO:0015152.

Submission:

Myriad Genetics, Inc.
Classification: Likely pathogenic for Autosomal recessive limb-girdle muscular dystrophy. Last evaluated: 2019-05-05. Review status: criteria provided, single submitter. Criteria: Myriad Autosomal Dominant, Autosomal Recessive and X-Linked Classification Criteria (2023). Collection method: clinical testing. Allele origin: unknown.
Comment: NM_003494.3(DYSF):c.1172T>A(L391*) is expected to be pathogenic in the context of dysferlinopathy. This variant is predicted to lead to an abnormal or absent protein product due to the creation of a premature termination codon in DYSF, a gene where loss-of-function variants are known to be pathogenic. Please note: this variant was assessed in the context of healthy population screening.

NM_001130987.2(DYSF):c.1268T>A (p.Leu423Ter)

Gene: DYSF (dysferlin; plus strand). Cytogenetic location: 2p13.2.
Variant type: single nucleotide variant.
Coding change: c.1268T>A on transcript NM_001130987.2 (MANE Select); coding-DNA position 1268, T replaced by A.
Protein change: p.Leu423Ter; replaces leucine 423 with a stop codon.
Molecular consequence: nonsense.
Genome position (GRCh38, 1-based): chr2:71,526,338, T>A. VCF-style: chr2-71526338-T-A. GRCh37 (hg19) VCF-style: chr2-71753468-T-A.
Other names: c.1175T>A, p.Leu392Ter (NM_001130455.2, NM_001130983.2, NM_001130984.2 and 1 more transcripts); c.1172T>A, p.Leu391Ter (NM_001130976.2, NM_001130977.2, NM_001130978.2 and 1 more transcripts); c.1265T>A, p.Leu422Ter (NM_001130979.2, NM_001130980.2, NM_001130981.2); c.1268T>A, p.Leu423Ter (NM_001130982.2, NM_001130985.2); short protein forms L391*, L392*, L422*, L423*.
Identifiers: ClinVar variation 984232 (VCV000984232.4), dbSNP rs2087900330, ClinGen allele CA347213635.